The following is an entry in ClinVar:

ClinVar aggregate classification (germline): Uncertain significance (1 of 4 stars; one submission).

Conditions:
Arginase deficiency. Also called: ARGININEMIA; ARG1 DEFICIENCY; Arginase 1 Deficiency. Identifiers: Orphanet 90, MedGen C0268548, MONDO:0008814, OMIM 207800.

Submission:

Labcorp Genetics (formerly Invitae), Labcorp
Classification: Uncertain significance for Arginase deficiency. Last evaluated: 2022-08-19. Review status: criteria provided, single submitter. Criteria: Invitae Variant Classification Sherloc (09022015). Collection method: clinical testing. Allele origin: germline.
Comment: This sequence change falls in intron 1 of the ARG1 gene. It does not directly change the encoded amino acid sequence of the ARG1 protein. This variant is not present in population databases (gnomAD no frequency). This variant has not been reported in the literature in individuals affected with ARG1-related conditions. Algorithms developed to predict the effect of sequence changes on RNA splicing suggest that this variant may disrupt the consensus splice site. In summary, the available evidence is currently insufficient to determine the role of this variant in disease. Therefore, it has been classified as a Variant of Uncertain Significance.

NM_000045.4(ARG1):c.58-8T>C

Genes: ARG1 (arginase 1; plus strand), MED23 (mediator complex subunit 23; minus strand). Cytogenetic location: 6q23.2.
Variant type: single nucleotide variant.
Coding change: c.58-8T>C on transcript NM_000045.4 (MANE Select); 8 bases into the intron before coding-DNA position 58, T replaced by C.
Molecular consequence: intron variant.
Genome position (GRCh38, 1-based): chr6:131,576,655, T>C. VCF-style: chr6-131576655-T-C. GRCh37 (hg19) VCF-style: chr6-131897795-T-C.
Other names: c.58-8T>C (NM_001244438.2, NM_001369020.1); c.4078-2360A>G (NM_001270521.2); c.4096-2360A>G (NM_015979.4).
Identifiers: ClinVar variation 1996579 (VCV001996579.1), dbSNP rs2482333680, ClinGen allele CA2578740960.